The following is an entry in ClinVar:

NM_000202.8(IDS):c.418+4C>G

Gene: IDS (iduronate 2-sulfatase; minus strand). Cytogenetic location: Xq28.
Variant type: single nucleotide variant.
Coding change: c.418+4C>G on transcript NM_000202.8 (MANE Select); 4 bases into the intron after coding-DNA position 418, C replaced by G.
Molecular consequence: intron variant.
Genome position (GRCh38, 1-based): chrX:149,503,308, G>C on the plus strand (C>G on the coding strand, the complement: IDS is on the minus strand). VCF-style: chrX-149503308-G-C. GRCh37 (hg19) VCF-style: chrX-148584838-G-C.
Other names: c.148+4C>G (NM_001166550.4); c.418+4C>G (NM_006123.5).
Identifiers: ClinVar variation 997095 (VCV000997095.3), dbSNP rs782011209, ClinGen allele CA414525425.

ClinVar aggregate classification (germline): Uncertain significance. Review status: criteria provided, multiple submitters, no conflicts (2 of 4 stars). 2 submissions from 2 submitters: Uncertain significance (2). Last evaluated 2024-06-07.

Conditions:
Mucopolysaccharidosis, MPS-II (MPS2). Also called: Mucopolysaccharidosis type 2; Hunter Syndrome; IDURONATE 2-SULFATASE DEFICIENCY; Mucopolysaccharidosis Type II; IDS deficiency; Sulfoiduronate sulfatase deficiency. Identifiers: Orphanet 580, Orphanet 79388, MedGen C0026705, MONDO:0010674, OMIM 309900.

Submissions (2):

Laboratory of Diagnosis and Therapy of Lysosomal Disorders, University of Padova
Classification: Uncertain significance for Mucopolysaccharidosis, MPS-II. Last evaluated: 2024-06-07. Review status: criteria provided, single submitter. Criteria: ACMG Guidelines, 2015. Collection method: literature only. Allele origin: germline. Affected: yes. Observed: 2 variant alleles.
Comment: Absent from controls (or at low frequency) in gnomAD database (PM2_Moderate), Patient’s phenotype or family history highly specific for the disease (PP4_Moderate)

Classification method: ACMG Guidelines [PMID:25741868] with modifications

Department of Medical Genetics, Sanjay Gandhi Post Graduate Institute of Medical Sciences
Classification: Uncertain significance for Mucopolysaccharidosis, MPS-II. Review status: criteria provided, single submitter. Criteria: ACMG Guidelines, 2015. Collection method: clinical testing. Allele origin: germline. Inheritance: X-linked recessive inheritance. Affected: yes. Observed: 1 variant allele, 1 hemizygote.

Literature cited by the submitters: PubMed 35144014 (cited by Laboratory of Diagnosis and Therapy of Lysosomal Disorders, University of Padova); PubMed 26897145 (cited by Laboratory of Diagnosis and Therapy of Lysosomal Disorders, University of Padova).